The following is an entry in ClinVar:

ClinVar aggregate classification (germline): Likely pathogenic (1 of 4 stars; one submission).

Conditions:
Mitochondrial complex I deficiency, nuclear type 26. Also called: Mitochondrial complex 1 deficiency, nuclear type 26. Identifiers: MedGen C4748809, MONDO:0032630, OMIM 618247.

Submission:

Neuberg Centre For Genomic Medicine, NCGM
Classification: Likely pathogenic for Mitochondrial complex I deficiency, nuclear type 26. Review status: criteria provided, single submitter. Criteria: ACMG Guidelines, 2015. Collection method: clinical testing. Allele origin: germline. Inheritance: Autosomal recessive inheritance. Affected: yes.
Comment: The stop gained c.267T>Ap.Tyr89Ter variant in NDUFA9 gene has not been reported previously as a pathogenic variant nor a benign variant, to our knowledge. The c.267T>A variant is novel not in any individuals in gnomAD Exomes and 1000 Genomes. This variant has not been reported to the ClinVar database. The nucleotide change c.267T>A in NDUFA9 is predicted as conserved by PhyloP across 100 vertebrates. This sequence change creates a premature translational stop signal p.Tyr89Ter in the NDUFA9 gene. This variant is predicted to cause loss of normal protein function through protein truncation. Loss of function variants have been previously reported to be disease causing. For these reasons, this variant has been classified as Likely Pathogenic.

NM_005002.5(NDUFA9):c.267T>A (p.Tyr89Ter)

Gene: NDUFA9 (NADH:ubiquinone oxidoreductase subunit A9; plus strand). Cytogenetic location: 12p13.32.
Variant type: single nucleotide variant.
Coding change: c.267T>A on transcript NM_005002.5 (MANE Select); coding-DNA position 267, T replaced by A.
Protein change: p.Tyr89Ter; replaces tyrosine 89 with a stop codon.
Molecular consequence: nonsense.
Genome position (GRCh38, 1-based): chr12:4,654,871, T>A. VCF-style: chr12-4654871-T-A. GRCh37 (hg19) VCF-style: chr12-4764037-T-A.
Other names: short protein forms Y89*.
Identifiers: ClinVar variation 3234875 (VCV003234875.1), dbSNP rs2498069574, ClinGen allele CA383448975.
Genomic context (GRCh38, chr12:4,654,871, plus strand): 5'-CCATTCTCTTTTAGGACGCATGGGGTCACAGGTAATCATACCCTATCGGTGTGATAAATA[T>A]GACATCATGCACCTTCGTCCCATGGGTGACCTGGGCCAGCTTCTGTTTCTGGTAAGGGCC-3'